The following is an entry in ClinVar:

NM_000384.3(APOB):c.8996A>G (p.His2999Arg)

Gene: APOB (apolipoprotein B; minus strand). Cytogenetic location: 2p24.1.
Variant type: single nucleotide variant.
Coding change: c.8996A>G on transcript NM_000384.3 (MANE Select); coding-DNA position 8996, A replaced by G.
Protein change: p.His2999Arg; replaces histidine 2999 with arginine.
Molecular consequence: missense variant.
Genome position (GRCh38, 1-based): chr2:21,007,872, T>C on the plus strand (A>G on the coding strand, the complement: APOB is on the minus strand). VCF-style: chr2-21007872-T-C. GRCh37 (hg19) VCF-style: chr2-21230744-T-C.
Other names: short protein forms H2999R.
Identifiers: ClinVar variation 3762660 (VCV003762660.2).

ClinVar aggregate classification (germline): Uncertain significance (1 of 4 stars; one submission).

Conditions:
Familial hypobetalipoproteinemia 1. Also called: Hypobetalipoproteinemia, normotriglyceridemic; Acanthocytosis with hypobetalipoproteinemia; APOB-Related Familial Hypobetalipoproteinemia. Identifiers: MedGen C4551990, MONDO:0014252, OMIM 615558.
Hypercholesterolemia, autosomal dominant, type B (FHCL2). Also called: APOB-Related Familial Hypercholesterolemia, Autosomal Dominant; Familial Hypercholesterolemia Type B; APOLIPOPROTEIN B-100, FAMILIAL DEFECTIVE; APOLIPOPROTEIN B-100, FAMILIAL LIGAND-DEFECTIVE; HYPERCHOLESTEROLEMIA, FAMILIAL, DUE TO LIGAND-DEFECTIVE APOLIPOPROTEIN B; Familial hypercholesterolemia 2. Identifiers: MedGen C1704417, MONDO:0007751, OMIM 144010.

Submission:

Labcorp Genetics (formerly Invitae), Labcorp
Classification: Uncertain significance for Familial hypobetalipoproteinemia 1; Hypercholesterolemia, autosomal dominant, type B. Last evaluated: 2025-02-02. Review status: criteria provided, single submitter. Criteria: Invitae Variant Classification Sherloc (09022015). Collection method: clinical testing. Allele origin: germline.
Comment: This sequence change replaces histidine, which is basic and polar, with arginine, which is basic and polar, at codon 2999 of the APOB protein (p.His2999Arg). This variant is not present in population databases (gnomAD no frequency). This variant has not been reported in the literature in individuals affected with APOB-related conditions. Invitae Evidence Modeling of protein sequence and biophysical properties (such as structural, functional, and spatial information, amino acid conservation, physicochemical variation, residue mobility, and thermodynamic stability) indicates that this missense variant is not expected to disrupt APOB protein function with a negative predictive value of 95%. In summary, the available evidence is currently insufficient to determine the role of this variant in disease. Therefore, it has been classified as a Variant of Uncertain Significance.